The following is an entry in ClinVar:

ClinVar aggregate classification (germline): Benign/Likely benign. Review status: criteria provided, multiple submitters, no conflicts (2 of 4 stars). 3 submissions from 3 submitters: Benign (1); Likely benign (1). 1 of the submissions does not count toward it. Last evaluated 2025-12-27.

Allele frequency attached by ClinVar (database versions not stated): 1000 Genomes Project 30x 0.00047; 1000 Genomes Project 0.00060; ExAC 0.00131; gnomAD exomes 0.00141 and 0.00145; gnomAD 0.00146 and 0.00155; ESP Exome Variant Server 0.00177; TOPMed 0.00179.
gnomAD v4.1: 2,377 of 1,613,690 alleles (0.15%); highest among the groups gnomAD compares: Admixed American, 0.3%; 1 homozygote.

Submissions (3):

Labcorp Genetics (formerly Invitae), Labcorp
Classification: Benign. Last evaluated: 2025-12-27. Review status: criteria provided, single submitter. Criteria: Invitae Variant Classification Sherloc (09022015). Collection method: clinical testing. Allele origin: germline.

Blueprint Genetics
Classification: Likely benign. Last evaluated: 2024-11-25. Review status: criteria provided, single submitter. Criteria: ACMG Guidelines, 2015. Collection method: clinical testing. Allele origin: germline.

ITMI
No classification provided. Condition: AllHighlyPenetrant. Last evaluated: 2013-09-19. Review status: no classification provided. Collection method: reference population. Allele origin: germline. Not counted in ClinVar's aggregate classification.
Comment: Please see associated publication for description of ethnicities

Literature cited by the submitters: PubMed 24728327 (cited by ITMI).

NM_004448.4(ERBB2):c.1021+19C>T

Gene: ERBB2 (erb-b2 receptor tyrosine kinase 2; plus strand). Cytogenetic location: 17q12.
Variant type: single nucleotide variant.
Coding change: c.1021+19C>T on transcript NM_004448.4 (MANE Select); 19 bases into the intron after coding-DNA position 1021, C replaced by T.
Molecular consequence: intron variant.
Genome position (GRCh38, 1-based): chr17:39,712,066, C>T. VCF-style: chr17-39712066-C-T. GRCh37 (hg19) VCF-style: chr17-37868319-C-T.
Other names: c.931+19C>T (NM_001382782.1, NM_001005862.3, NM_001289938.2 and 1 more transcripts); c.976+19C>T (NM_001289936.2); c.1096+19C>T (NM_001382787.1); c.1021+19C>T (NM_001382784.1, NM_001382786.1, NM_001382789.1 and 16 more transcripts); c.763+19C>T (NM_001382802.1); c.841+19C>T (NM_001382799.1); c.1012+19C>T (NM_001382791.1); c.193+19C>T (NM_001382804.1).
Identifiers: ClinVar variation 135520 (VCV000135520.11), dbSNP rs139636338, ClinGen allele CA162977.